The following is an entry in ClinVar:

NM_053025.4(MYLK):c.1870A>G (p.Ile624Val)

Gene: MYLK (myosin light chain kinase; minus strand). Cytogenetic location: 3q21.1.
Variant type: single nucleotide variant.
Coding change: c.1870A>G on transcript NM_053025.4 (MANE Select); coding-DNA position 1870, A replaced by G.
Protein change: p.Ile624Val; replaces isoleucine 624 with valine.
Molecular consequence: missense variant.
Genome position (GRCh38, 1-based): chr3:123,709,828, T>C on the plus strand (A>G on the coding strand, the complement: MYLK is on the minus strand). VCF-style: chr3-123709828-T-C. GRCh37 (hg19) VCF-style: chr3-123428675-T-C.
Other names: c.1342A>G, p.Ile448Val (NM_001321309.2); c.1663A>G, p.Ile555Val (NM_053026.4, NM_053028.4); c.1870A>G, p.Ile624Val (NM_053027.4); short protein forms I624V, I448V, I555V.
Identifiers: ClinVar variation 4751039 (VCV004751039.1).
Genomic context (GRCh38, chr3:123,709,828, plus strand): 5'-CAGTCATAGTGACCTGGCTTCCATCCATGACTTTGAGATCAGAGAGGCCCTGCAGGAAGA[T>C]GGGTGCAGTGGGCTTGCTGGGAGCCACAGGCAGAAGGTACTCACTCTTCCTGCTACTCTT-3'
Protein context (NP_444253.3, residues 614-634): PVAPSKPTAP[Ile624Val]FLQGLSDLKV

ClinVar aggregate classification (germline): Uncertain significance (1 of 4 stars; one submission).

Conditions:
Aortic aneurysm, familial thoracic 7 (AAT7). Also called: AORTIC DISSECTION, FAMILIAL, WITH OR WITHOUT AORTIC ANEURYSM. Identifiers: MedGen C3151077, MONDO:0013418, OMIM 613780.

Submission:

Labcorp Genetics (formerly Invitae), Labcorp
Classification: Uncertain significance for Aortic aneurysm, familial thoracic 7. Last evaluated: 2025-10-06. Review status: criteria provided, single submitter. Criteria: Invitae Variant Classification Sherloc (09022015). Collection method: clinical testing. Allele origin: germline.
Comment: This sequence change replaces isoleucine, which is neutral and non-polar, with valine, which is neutral and non-polar, at codon 624 of the MYLK protein (p.Ile624Val). This variant is not present in population databases (gnomAD no frequency). This variant has not been reported in the literature in individuals affected with MYLK-related conditions. Invitae Evidence Modeling of protein sequence and biophysical properties (such as structural, functional, and spatial information, amino acid conservation, physicochemical variation, residue mobility, and thermodynamic stability) indicates that this missense variant is not expected to disrupt MYLK protein function with a negative predictive value of 80%. In summary, the available evidence is currently insufficient to determine the role of this variant in disease. Therefore, it has been classified as a Variant of Uncertain Significance.